The following is an entry in ClinVar:

NM_003036.4(SKI):c.1211+17C>T

Gene: SKI (SKI proto-oncogene; plus strand). Cytogenetic location: 1p36.32.
Variant type: single nucleotide variant.
Coding change: c.1211+17C>T on transcript NM_003036.4 (MANE Select); 17 bases into the intron after coding-DNA position 1211, C replaced by T.
Molecular consequence: intron variant.
Genome position (GRCh38, 1-based): chr1:2,303,417, C>T. VCF-style: chr1-2303417-C-T. GRCh37 (hg19) VCF-style: chr1-2234856-C-T.
Identifiers: ClinVar variation 258899 (VCV000258899.8), dbSNP rs753878221, ClinGen allele CA536617.
Genomic context (GRCh38, chr1:2,303,417, plus strand): 5'-GAGAAAGAGCTCTCCCCACACCTCCCGGCCCTCATCCGAGACAGGTGAGTGGGCGCCATT[C>T]ACAGGTGTTTCTGATCACGGGGGAGGCTCCACGAGGGCTGTGCATGCGGACGCGCCCATG-3'

ClinVar aggregate classification (germline): Likely benign. Review status: criteria provided, multiple submitters, no conflicts (2 of 4 stars). 4 submissions from 4 submitters: Likely benign (4). Last evaluated 2025-03-31.

Conditions:
Shprintzen-Goldberg syndrome (SGS). Also called: CRANIOSYNOSTOSIS WITH ARACHNODACTYLY AND ABDOMINAL HERNIAS; Marfanoid disorder with craniosynostosis type 1; Marfanoid craniosynostosis syndrome; Shprintzen-Goldberg marfanoid syndrome; SHPRINTZEN-GOLDBERG CRANIOSYNOSTOSIS SYNDROME. Identifiers: Orphanet 2462, MedGen C1321551, MONDO:0008426, OMIM 182212.

Allele frequency attached by ClinVar (database versions not stated): ExAC 0.00001; gnomAD exomes 0.00001 and 0.00003; gnomAD 0.00002 and 0.00001; TOPMed 0.00004.
gnomAD v4.1: 13 of 1,598,142 alleles (0.00081%); highest among the groups gnomAD compares: Admixed American, 0.018%; no homozygotes.

Submissions (4):

Labcorp Genetics (formerly Invitae), Labcorp
Classification: Likely benign for Shprintzen-Goldberg syndrome. Last evaluated: 2025-03-31. Review status: criteria provided, single submitter. Criteria: Invitae Variant Classification Sherloc (09022015). Collection method: clinical testing. Allele origin: germline.

Women's Health and Genetics/Laboratory Corporation of America, LabCorp
Classification: Likely benign. Last evaluated: 2024-12-12. Review status: criteria provided, single submitter. Criteria: LabCorp Variant Classification Summary - May 2015. Collection method: clinical testing. Allele origin: germline.

GeneDx
Classification: Likely benign. Last evaluated: 2017-04-03. Review status: criteria provided, single submitter. Criteria: GeneDx Variant Classification (06012015). Collection method: clinical testing. Allele origin: germline. Affected: yes.
Comment: This variant is considered likely benign or benign based on one or more of the following criteria: it is a conservative change, it occurs at a poorly conserved position in the protein, it is predicted to be benign by multiple in silico algorithms, and/or has population frequency not consistent with disease.

PreventionGenetics, part of Exact Sciences
Classification: Likely benign. Review status: criteria provided, single submitter. Criteria: ACMG Guidelines, 2015. Collection method: clinical testing. Allele origin: germline.